The following is an entry in ClinVar:

ClinVar aggregate classification (germline): Conflicting classifications of pathogenicity. Review status: criteria provided, conflicting classifications (1 of 4 stars). 9 submissions from 8 submitters: Uncertain significance (5); Benign (2). 2 of the submissions do not count toward it. Last evaluated 2026-04-14.

Conditions:
RET-related disorder. Also called: RET-related disorders; RET-related condition; RET-related disease.
Hereditary cancer-predisposing syndrome. Also called: Neoplastic Syndromes, Hereditary; Tumor predisposition; Hereditary Cancer Syndrome; Hereditary neoplastic syndrome. Identifiers: Orphanet 140162, MedGen C0027672, MeSH D009386, MONDO:0015356.
Multiple endocrine neoplasia, type 2 (MEN2). Identifiers: Orphanet 653, MedGen C4048306, MONDO:0019003. Disease mechanism: gain of function.
Multiple endocrine neoplasia type 2A. Also called: MULTIPLE ENDOCRINE NEOPLASIA, TYPE IIA; PTC SYNDROME; SIPPLE SYNDROME; MEN 2A; MEN-2A syndrome; Pheochromocytoma and amyloid producing medullary thyroid carcinoma. Identifiers: Orphanet 247698, Orphanet 653, MedGen C0025268, MeSH D018813, MONDO:0008234, OMIM 171400.
Multiple endocrine neoplasia type 2B. Also called: Multiple Endocrine Neoplasia Type 2B (MEN2B); MULTIPLE ENDOCRINE NEOPLASIA, TYPE IIB; MEN IIB; NEUROMATA, MUCOSAL, WITH ENDOCRINE TUMORS; Multiple endocrine neoplasia, type 3; MEN 2B. Identifiers: Orphanet 247709, Orphanet 653, MedGen C0025269, MeSH D018814, MONDO:0008082, OMIM 162300.

Allele frequency attached by ClinVar (database versions not stated): gnomAD exomes 0.00001 and 0.00004; ExAC 0.00002; gnomAD 0.00006; TOPMed 0.00006; 1000 Genomes Project 30x 0.00016; 1000 Genomes Project 0.00020.
gnomAD v4.1: 17 of 1,613,946 alleles (0.0011%); highest among the groups gnomAD compares: East Asian, 0.036%; no homozygotes.

Submissions (9):

PreventionGenetics, part of Exact Sciences
Classification: Uncertain significance for RET-related condition. Last evaluated: 2026-04-14. Review status: criteria provided, single submitter. Criteria: ACMG Guidelines, 2015. Collection method: clinical testing. Allele origin: germline.
Comment: The RET c.1150C>G variant is predicted to result in the amino acid substitution p.Pro384Ala. To our knowledge, this variant has not been reported in the literature. This variant is reported in 0.060% of alleles in individuals of East Asian descent in gnomAD. This variant has conflicting interpretations in ClinVar ranging from uncertain to benign (Variation ID: 216713). At this time, the clinical significance of this variant is uncertain due to the absence of conclusive functional and genetic evidence.

Labcorp Genetics (formerly Invitae), Labcorp
Classification: Uncertain significance for Multiple endocrine neoplasia, type 2. Last evaluated: 2026-01-12. Review status: criteria provided, single submitter. Criteria: Invitae Variant Classification Sherloc (09022015). Collection method: clinical testing. Allele origin: germline.
Comment: This sequence change replaces proline, which is neutral and non-polar, with alanine, which is neutral and non-polar, at codon 384 of the RET protein (p.Pro384Ala). This variant is present in population databases (rs536298339, gnomAD 0.06%). This variant has not been reported in the literature in individuals affected with RET-related conditions. ClinVar contains an entry for this variant (Variation ID: 216713). An algorithm developed to predict the effect of missense changes on protein structure and function outputs the following: PolyPhen-2: "Probably Damaging". The alanine amino acid residue is found in multiple mammalian species, which suggests that this missense change does not adversely affect protein function. In summary, the available evidence is currently insufficient to determine the role of this variant in disease. Therefore, it has been classified as a Variant of Uncertain Significance.

Color Diagnostics, LLC DBA Color Health
Classification: Benign for Multiple endocrine neoplasia, type 2. Last evaluated: 2025-07-03. Review status: criteria provided, single submitter. Criteria: ACMG Guidelines, 2015. Collection method: clinical testing. Allele origin: germline.

GeneDx
Classification: Uncertain significance. Last evaluated: 2024-08-08. Review status: criteria provided, single submitter. Criteria: GeneDx Variant Classification Process June 2021. Collection method: clinical testing. Allele origin: germline. Affected: yes.
Comment: In silico analysis supports that this missense variant has a deleterious effect on protein structure/function; Has not been previously published as pathogenic or benign to our knowledge; This variant is associated with the following publications: (PMID: 14633923)

All of Us Research Program, National Institutes of Health
Classification: Uncertain significance for Multiple endocrine neoplasia, type 2. Last evaluated: 2024-03-25. Review status: criteria provided, single submitter. Criteria: ACMG Guidelines, 2015. Collection method: clinical testing. Allele origin: germline. Inheritance: Autosomal dominant inheritance. Observed: 4 variant alleles, 4 heterozygotes.
Comment: This missense variant replaces proline with alanine at codon 384 of the RET protein. Computational prediction suggests that this variant may not impact protein structure and function (internally defined REVEL score threshold <= 0.5, PMID: 27666373). To our knowledge, functional studies have not been reported for this variant. This variant has not been reported in individuals affected with RET-related disorders in the literature. This variant has been identified in 12/282426 chromosomes in the general population by the Genome Aggregation Database (gnomAD). The available evidence is insufficient to determine the role of this variant in disease conclusively. Therefore, this variant is classified as a Variant of Uncertain Significance.

This study involves interpretation of variants in research participants for the purpose of population health screening. Participant phenotype was not available at the time of variant classification. Additional details can be found in publication PMID: 35346344, PMCID: PMC8962531

Blueprint Genetics
Classification: Uncertain significance. Last evaluated: 2023-07-07. Review status: criteria provided, single submitter. Criteria: ACMG Guidelines, 2015. Collection method: clinical testing. Allele origin: germline.

Ambry Genetics
Classification: Benign for Hereditary cancer-predisposing syndrome. Last evaluated: 2023-04-25. Review status: criteria provided, single submitter. Criteria: Ambry Variant Classification Scheme 2023. Collection method: clinical testing. Allele origin: germline.

Counsyl
Classification: Uncertain significance for Multiple endocrine neoplasia type 2B. Last evaluated: 2016-07-14. Review status: no assertion criteria provided. Collection method: clinical testing. Allele origin: unknown. Not counted in ClinVar's aggregate classification.

Counsyl
Classification: Uncertain significance for Multiple endocrine neoplasia type 2A. Last evaluated: 2016-07-14. Review status: no assertion criteria provided. Collection method: clinical testing. Allele origin: unknown. Not counted in ClinVar's aggregate classification.

NM_020975.6(RET):c.1150C>G (p.Pro384Ala)

Gene: RET (ret proto-oncogene; plus strand). Cytogenetic location: 10q11.21.
Variant type: single nucleotide variant.
Coding change: c.1150C>G on transcript NM_020975.6 (MANE Select); coding-DNA position 1150, C replaced by G.
Protein change: p.Pro384Ala; replaces proline 384 with alanine.
Molecular consequence: missense variant.
Genome position (GRCh38, 1-based): chr10:43,109,117, C>G. VCF-style: chr10-43109117-C-G. GRCh37 (hg19) VCF-style: chr10-43604565-C-G.
Other names: c.1150C>G, p.Pro384Ala (NM_000323.2, NM_001406743.1, NM_001406744.1 and 6 more transcripts); c.388C>G, p.Pro130Ala (NM_001355216.2); c.1021C>G, p.Pro341Ala (NM_001406761.1, NM_001406762.1, NM_001406764.1 and 1 more transcripts); c.862C>G, p.Pro288Ala (NM_001406766.1, NM_001406767.1, NM_001406770.1); c.712C>G, p.Pro238Ala (NM_001406771.1, NM_001406773.1); c.424C>G, p.Pro142Ala (NM_001406775.1, NM_001406776.1, NM_001406777.1 and 1 more transcripts); c.160C>G, p.Pro54Ala (NM_001406784.1); short protein forms P384A, P130A, P142A, P288A, P341A, P238A, P54A.
Identifiers: ClinVar variation 216713 (VCV000216713.22), dbSNP rs536298339, ClinGen allele CA031869.
Genomic context (GRCh38, chr10:43,109,117, plus strand): 5'-ATCTCGGAGAACCGCACCATGCAGCTGGCGGTGCTGGTCAATGACTCAGACTTCCAGGGC[C>G]CAGGAGCGGGCGTCCTCTTGCTCCACTTCAACGTGTCGGTGCTGCCGGTCAGCCTGCACC-3'
Protein context (NP_066124.1, residues 374-394): VLVNDSDFQG[Pro384Ala]GAGVLLLHFN